The following is an entry in ClinVar:

ClinVar aggregate classification (germline): Uncertain significance (1 of 4 stars; one submission).

Conditions:
Autoimmune interstitial lung disease-arthritis syndrome. Also called: Autoinflammation and autoimmunity, systemic, with immune dysregulation. Identifiers: Orphanet 444092, MedGen C5975714, MONDO:0014629.

Allele frequency attached by ClinVar (database versions not stated): gnomAD exomes below 0.00001.
gnomAD v4.1: 4 of 1,614,186 alleles (0.00025%); highest among the groups gnomAD compares: Non-Finnish European, 0.00034%; no homozygotes.

Submission:

Labcorp Genetics (formerly Invitae), Labcorp
Classification: Uncertain significance for Autoimmune interstitial lung disease-arthritis syndrome. Last evaluated: 2024-01-21. Review status: criteria provided, single submitter. Criteria: Invitae Variant Classification Sherloc (09022015). Collection method: clinical testing. Allele origin: germline.
Comment: This sequence change replaces tyrosine, which is neutral and polar, with histidine, which is basic and polar, at codon 733 of the COPA protein (p.Tyr733His). This variant is not present in population databases (gnomAD no frequency). This variant has not been reported in the literature in individuals affected with COPA-related conditions. ClinVar contains an entry for this variant (Variation ID: 2112987). Advanced modeling of protein sequence and biophysical properties (such as structural, functional, and spatial information, amino acid conservation, physicochemical variation, residue mobility, and thermodynamic stability) performed at Invitae indicates that this missense variant is expected to disrupt COPA protein function with a positive predictive value of 80%. In summary, the available evidence is currently insufficient to determine the role of this variant in disease. Therefore, it has been classified as a Variant of Uncertain Significance.

NM_004371.4(COPA):c.2197T>C (p.Tyr733His)

Gene: COPA (coat protein complex I subunit alpha; minus strand). Cytogenetic location: 1q23.2.
Variant type: single nucleotide variant.
Coding change: c.2197T>C on transcript NM_004371.4 (MANE Select); coding-DNA position 2197, T replaced by C.
Protein change: p.Tyr733His; replaces tyrosine 733 with histidine.
Molecular consequence: missense variant.
Genome position (GRCh38, 1-based): chr1:160,297,409, A>G on the plus strand (T>C on the coding strand, the complement: COPA is on the minus strand). VCF-style: chr1-160297409-A-G. GRCh37 (hg19) VCF-style: chr1-160267199-A-G.
Other names: c.2224T>C, p.Tyr742His (NM_001098398.2); short protein forms Y733H, Y742H.
Identifiers: ClinVar variation 2112987 (VCV002112987.4), dbSNP rs2525363626, ClinGen allele CA343278614.
Genomic context (GRCh38, chr1:160,297,409, plus strand): 5'-CACAGTTCTTCAGGATCCGCACACGCTCTGACACATCACCCAGGTATAGGGCATTCTGAT[A>G]GTGGCCACTCATGTCCTTTCTGATCTCAGCTGCACCAAGTAAGAGACACCAAGTTAGGTC-3'
Protein context (NP_004362.2, residues 723-743): AEIRKDMSGH[Tyr733His]QNALYLGDVS